The following is an entry in ClinVar:

ClinVar aggregate classification (germline): Pathogenic/Likely pathogenic. Review status: criteria provided, multiple submitters, no conflicts (2 of 4 stars). 2 submissions from 2 submitters: Pathogenic (1); Likely pathogenic (1). Last evaluated 2023-09-26.

Conditions:
Developmental and epileptic encephalopathy, 79. Also called: EPILEPTIC ENCEPHALOPATHY, EARLY INFANTILE, 79. Identifiers: MedGen C5231410, MONDO:0032813, OMIM 618559.

Submissions (2):

GeneDx
Classification: Pathogenic. Last evaluated: 2023-09-26. Review status: criteria provided, single submitter. Criteria: GeneDx Variant Classification Process June 2021. Collection method: clinical testing. Allele origin: germline. Affected: yes.
Comment: Not observed at significant frequency in large population cohorts (gnomAD); In silico analysis, which includes protein predictors and evolutionary conservation, supports a deleterious effect; Has not been previously published as pathogenic or benign to our knowledge

Mendelics
Classification: Likely pathogenic for Developmental and epileptic encephalopathy, 79. Last evaluated: 2019-05-28. Review status: criteria provided, single submitter. Criteria: Mendelics Assertion Criteria 2017. Collection method: clinical testing. Allele origin: unknown.

NM_000810.4(GABRA5):c.902C>G (p.Thr301Arg)

Gene: GABRA5 (gamma-aminobutyric acid type A receptor subunit alpha5; plus strand). Cytogenetic location: 15q12.
Variant type: single nucleotide variant.
Coding change: c.902C>G on transcript NM_000810.4 (MANE Select); coding-DNA position 902, C replaced by G.
Protein change: p.Thr301Arg; replaces threonine 301 with arginine.
Molecular consequence: missense variant.
Genome position (GRCh38, 1-based): chr15:26,943,239, C>G. VCF-style: chr15-26943239-C-G. GRCh37 (hg19) VCF-style: chr15-27188386-C-G.
Other names: c.902C>G, p.Thr301Arg (NM_001165037.2); short protein forms T301R.
Identifiers: ClinVar variation 801399 (VCV000801399.5), dbSNP rs1595438268, ClinGen allele CA391461099.